The following is an entry in ClinVar:

NM_000465.4(BARD1):c.728G>T (p.Cys243Phe)

Gene: BARD1 (BRCA1 associated RING domain 1; minus strand). Cytogenetic location: 2q35.
Variant type: single nucleotide variant.
Coding change: c.728G>T on transcript NM_000465.4 (MANE Select); coding-DNA position 728, G replaced by T.
Protein change: p.Cys243Phe; replaces cysteine 243 with phenylalanine.
Molecular consequence: missense variant. On other transcripts: non-coding transcript variant (2), intron variant (3).
Genome position (GRCh38, 1-based): chr2:214,781,146, C>A on the plus strand (G>T on the coding strand, the complement: BARD1 is on the minus strand). VCF-style: chr2-214781146-C-A. GRCh37 (hg19) VCF-style: chr2-215645870-C-A.
Other names: c.671G>T, p.Cys224Phe (NM_001282543.2); c.158+28266G>T (NM_001282548.2); c.215+15915G>T (NM_001282545.2); c.364+11151G>T (NM_001282549.2); short protein forms C224F, C243F.
Identifiers: ClinVar variation 923058 (VCV000923058.9), dbSNP rs767432527, ClinGen allele CA2090392.

ClinVar aggregate classification (germline): Uncertain significance. Review status: criteria provided, multiple submitters, no conflicts (2 of 4 stars). 2 submissions from 2 submitters: Uncertain significance (2). Last evaluated 2025-05-19.

Conditions:
Hereditary cancer-predisposing syndrome. Also called: Neoplastic Syndromes, Hereditary; Tumor predisposition; Hereditary Cancer Syndrome; Hereditary neoplastic syndrome. Identifiers: Orphanet 140162, MedGen C0027672, MeSH D009386, MONDO:0015356.
Familial cancer of breast. Also called: BREAST CANCER, FAMILIAL; hereditary breast carcinoma; Hereditary breast cancer. Identifiers: Orphanet 227535, MedGen C0346153, MONDO:0016419, OMIM 114480. Disease mechanism: loss of function.

Allele frequency attached by ClinVar (database versions not stated): gnomAD exomes 0.00001; ExAC 0.00002.
gnomAD v4.1: 4 of 1,575,118 alleles (0.00025%); highest among the groups gnomAD compares: South Asian, 0.0036%; no homozygotes.

Submissions (2):

Labcorp Genetics (formerly Invitae), Labcorp
Classification: Uncertain significance for Familial cancer of breast. Last evaluated: 2025-05-19. Review status: criteria provided, single submitter. Criteria: Invitae Variant Classification Sherloc (09022015). Collection method: clinical testing. Allele origin: germline.
Comment: This sequence change replaces cysteine, which is neutral and slightly polar, with phenylalanine, which is neutral and non-polar, at codon 243 of the BARD1 protein (p.Cys243Phe). This variant is present in population databases (rs767432527, gnomAD 0.009%). This variant has not been reported in the literature in individuals affected with BARD1-related conditions. ClinVar contains an entry for this variant (Variation ID: 923058). An algorithm developed to predict the effect of missense changes on protein structure and function (PolyPhen-2) suggests that this variant is likely to be tolerated. In summary, the available evidence is currently insufficient to determine the role of this variant in disease. Therefore, it has been classified as a Variant of Uncertain Significance.

Color Diagnostics, LLC DBA Color Health
Classification: Uncertain significance for Hereditary cancer-predisposing syndrome. Last evaluated: 2019-12-16. Review status: criteria provided, single submitter. Criteria: ACMG Guidelines, 2015. Collection method: clinical testing. Allele origin: germline.
Comment: This missense variant replaces cysteine with phenylalanine at codon 243 of the BARD1 protein. Computational prediction suggests that this variant may not impact protein structure and function (internally defined REVEL score threshold <= 0.5, PMID: 27666373). Splice site prediction tools suggest that this variant may not impact RNA splicing. To our knowledge, functional studies have not been performed for this variant. This variant has not been reported in individuals affected with hereditary cancer in the literature. This variant has been identified in 3/216054 chromosomes in the general population by the Genome Aggregation Database (gnomAD). The available evidence is insufficient to determine the role of this variant in disease conclusively. Therefore, this variant is classified as a Variant of Uncertain Significance.